The following is an entry in ClinVar:

ClinVar aggregate classification (germline): Likely pathogenic (1 of 4 stars; one submission).

Conditions:
Renal coloboma syndrome (PAPRS). Also called: PAPILLORENAL SYNDROME; COLOBOMA OF OPTIC NERVE WITH RENAL DISEASE; OPTIC COLOBOMA, VESICOURETERAL REFLUX, AND RENAL ANOMALIES; OPTIC NERVE COLOBOMA WITH RENAL DISEASE; RENAL-COLOBOMA SYNDROME WITH MACULAR ABNORMALITIES; PAPILLORENAL SYNDROME WITH MILD OCULAR ABNORMALITIES. Identifiers: Orphanet 1475, MedGen C1852759, MONDO:0007352, OMIM 120330.

Submission:

Department of Pediatrics, Seoul National University Bundang Hospital
Classification: Likely pathogenic for Renal coloboma syndrome. Last evaluated: 2024-12-01. Review status: criteria provided, single submitter. Criteria: ACMG Guidelines, 2015. Collection method: clinical testing. Allele origin: unknown. Inheritance: Autosomal dominant inheritance. Observed: 1 variant allele.
Comment: The p.Asp125GlyfsTer5 is a novel frameshirt variant and is regarded as likely pathogenic (PVS1, PM2, according to ACMG criteria).

NM_000278.5(PAX2):c.361_373dup (p.Asp125delinsGlyGlyHisLeuTer)

Gene: PAX2 (paired box 2; plus strand). Cytogenetic location: 10q24.31.
Variant type: Duplication.
Coding change: c.361_373dup on transcript NM_000278.5 (MANE Select); coding-DNA positions 361 to 373, 13 bases duplicated (GAGGGCATCTGTG).
Protein change: p.Asp125delinsGlyGlyHisLeuTer.
Molecular consequence: nonsense.
Genome position (GRCh38, 1-based): chr10:100,750,842-100,750,854, GAGGGCATCTGTG duplicated. VCF-style (leftmost placement, unchanged base first): chr10-100750841-C-CGAGGGCATCTGTG. GRCh37 (hg19) VCF-style: chr10-102510598-C-CGAGGGCATCTGTG.
Other names: c.454_466dup, p.Asp156delinsGlyGlyHisLeuTer (NM_001304569.2); c.361_373dup, p.Asp125delinsGlyGlyHisLeuTer (NM_003987.5, NM_003988.5, NM_003989.5 and 1 more transcripts).
Identifiers: ClinVar variation 3602566 (VCV003602566.2).